The following is an entry in ClinVar:

ClinVar aggregate classification (germline): Uncertain significance. Review status: criteria provided, multiple submitters, no conflicts (2 of 4 stars). 2 submissions from 2 submitters: Uncertain significance (2). Last evaluated 2025-10-21.

Allele frequency attached by ClinVar (database versions not stated): ExAC 0.00002; gnomAD exomes 0.00004 and 0.00001; TOPMed 0.00001; ESP Exome Variant Server 0.00008.

Submissions (2):

Ambry Genetics
Classification: Uncertain significance. Last evaluated: 2025-10-21. Review status: criteria provided, single submitter. Criteria: Ambry Variant Classification Scheme 2023. Collection method: clinical testing. Allele origin: germline.

Labcorp Genetics (formerly Invitae), Labcorp
Classification: Uncertain significance. Last evaluated: 2020-12-02. Review status: criteria provided, single submitter. Criteria: Invitae Variant Classification Sherloc (09022015). Collection method: clinical testing. Allele origin: germline.
Comment: In summary, the available evidence is currently insufficient to determine the role of this variant in disease. Therefore, it has been classified as a Variant of Uncertain Significance. Algorithms developed to predict the effect of missense changes on protein structure and function (SIFT, PolyPhen-2, Align-GVGD) all suggest that this variant is likely to be disruptive, but these predictions have not been confirmed by published functional studies and their clinical significance is uncertain. This variant has not been reported in the literature in individuals with LAT-related conditions. This variant is present in population databases (rs150961285, ExAC 0.009%). This sequence change replaces aspartic acid with valine at codon 126 of the LAT protein (p.Asp126Val). The aspartic acid residue is weakly conserved and there is a large physicochemical difference between aspartic acid and valine.

NM_001014987.2(LAT):c.377A>T (p.Asp126Val)

Gene: LAT (linker for activation of T cells; plus strand). Cytogenetic location: 16p11.2.
Variant type: single nucleotide variant.
Coding change: c.377A>T on transcript NM_001014987.2 (MANE Select); coding-DNA position 377, A replaced by T.
Protein change: p.Asp126Val; replaces aspartic acid 126 with valine.
Molecular consequence: missense variant.
Genome position (GRCh38, 1-based): chr16:28,986,693, A>T. VCF-style: chr16-28986693-A-T. GRCh37 (hg19) VCF-style: chr16-28998014-A-T.
Other names: c.374A>T, p.Asp125Val (NM_001014988.2); c.485A>T, p.Asp162Val (NM_001014989.2); c.464A>T, p.Asp155Val (NM_014387.4); c.485A>T (NM_001014989.1); short protein forms D162V, D155V, D125V, D126V.
Identifiers: ClinVar variation 1490163 (VCV001490163.8), dbSNP rs150961285, ClinGen allele CA7989982.